The following is an entry in ClinVar:

NM_000053.4(ATP7B):c.1129A>G (p.Ile377Val)

Gene: ATP7B (ATPase copper transporting beta; minus strand). Cytogenetic location: 13q14.3.
Variant type: single nucleotide variant.
Coding change: c.1129A>G on transcript NM_000053.4 (MANE Select); coding-DNA position 1129, A replaced by G.
Protein change: p.Ile377Val; replaces isoleucine 377 with valine.
Molecular consequence: missense variant. On other transcripts: intron variant (1).
Genome position (GRCh38, 1-based): chr13:51,974,091, T>C on the plus strand (A>G on the coding strand, the complement: ATP7B is on the minus strand). VCF-style: chr13-51974091-T-C. GRCh37 (hg19) VCF-style: chr13-52548227-T-C.
Other names: c.1129A>G, p.Ile377Val (NM_001005918.3, NM_001330578.2, NM_001330579.2); c.803-7A>G (NM_001243182.2); short protein forms I377V.
Identifiers: ClinVar variation 210480 (VCV000210480.11), dbSNP rs775754066, ClinGen allele CA208433.
Genomic context (GRCh38, chr13:51,974,091, plus strand): 5'-CTTCGGCCAAAGACACCGATATTTGCTGCACCCCTTCCAGTTGGGAGATCATGCCTTCAA[T>C]GGAATGGACACAGGATGCACAGGTCATGCCGGCAATGGCAATCAGAGTGGTACTGCATGT-3'
Protein context (NP_000044.2, residues 367-387): GMTCASCVHS[Ile377Val]EGMISQLEGV

ClinVar aggregate classification (germline): Uncertain significance. Review status: criteria provided, multiple submitters, no conflicts (2 of 4 stars). 6 submissions from 6 submitters: Uncertain significance (6). Last evaluated 2025-08-28.

Conditions:
Wilson disease (WND). Also called: Wilson's disease. Identifiers: Orphanet 905, MedGen C0019202, MONDO:0010200, OMIM 277900. Disease mechanism: loss of function.

Allele frequency attached by ClinVar (database versions not stated): TOPMed below 0.00001; gnomAD 0.00001; gnomAD exomes 0.00001 and 0.00003; ExAC 0.00002.
gnomAD v4.1: 48 of 1,613,872 alleles (0.003%); highest among the groups gnomAD compares: Non-Finnish European, 0.0039%; no homozygotes.

Submissions (6):

Color Diagnostics, LLC DBA Color Health
Classification: Uncertain significance for Wilson disease. Last evaluated: 2025-08-28. Review status: criteria provided, single submitter. Criteria: ACMG Guidelines, 2015. Collection method: clinical testing. Allele origin: germline.
Comment: This missense variant replaces isoleucine with valine at codon 377 of the ATP7B protein. Computational prediction suggests that this variant may not impact protein structure and function. To our knowledge, functional studies have not been reported for this variant. This variant has not been reported in individuals affected with Wilson disease in the literature. This variant has been identified in 3/249532 chromosomes in the general population by the Genome Aggregation Database (gnomAD). The available evidence is insufficient to determine the role of this variant in disease conclusively. Therefore, this variant is classified as a Variant of Uncertain Significance.

ARUP Laboratories, Molecular Genetics and Genomics, ARUP Laboratories
Classification: Uncertain significance for Wilson disease. Last evaluated: 2024-03-14. Review status: criteria provided, single submitter. Criteria: ARUP Molecular Germline Variant Investigation Process 2024. Collection method: clinical testing. Allele origin: germline.
Comment: The ATP7B c.1129A>G; p.Ile377Val variant (rs775754066), to our knowledge, is not reported in the medical literature but is reported in ClinVar (Variation ID: 210480). This variant is found in the non-Finnish European population with an allele frequency of 0.003% (3/113,238 alleles) in the Genome Aggregation Database (v2.1.1). Computational analyses are uncertain whether this variant is neutral or deleterious (REVEL: 0.435). Due to limited information, the clinical significance of this variant is uncertain at this time.

All of Us Research Program, National Institutes of Health
Classification: Uncertain significance for Wilson disease. Last evaluated: 2023-12-13. Review status: criteria provided, single submitter. Criteria: ACMG Guidelines, 2015. Collection method: clinical testing. Allele origin: germline. Inheritance: Autosomal recessive inheritance. Observed: 5 variant alleles, 5 heterozygotes.
Comment: This missense variant replaces isoleucine with valine at codon 377 of the ATP7B protein. Computational prediction suggests that this variant may not impact protein structure and function (internally defined REVEL score threshold <= 0.5, PMID: 27666373). To our knowledge, functional studies have not been reported for this variant. This variant has not been reported in individuals affected with Wilson disease in the literature. This variant has been identified in 3/249532 chromosomes in the general population by the Genome Aggregation Database (gnomAD). The available evidence is insufficient to determine the role of this variant in disease conclusively. Therefore, this variant is classified as a Variant of Uncertain Significance.

This study involves interpretation of variants in research participants for the purpose of population health screening. Participant phenotype was not available at the time of variant classification. Additional details can be found in publication PMID: 35346344, PMCID: PMC8962531

Labcorp Genetics (formerly Invitae), Labcorp
Classification: Uncertain significance for Wilson disease. Last evaluated: 2022-02-25. Review status: criteria provided, single submitter. Criteria: Invitae Variant Classification Sherloc (09022015). Collection method: clinical testing. Allele origin: germline.
Comment: This sequence change replaces isoleucine, which is neutral and non-polar, with valine, which is neutral and non-polar, at codon 377 of the ATP7B protein (p.Ile377Val). This variant is present in population databases (rs775754066, gnomAD 0.003%). This variant has not been reported in the literature in individuals affected with ATP7B-related conditions. ClinVar contains an entry for this variant (Variation ID: 210480). Advanced modeling of protein sequence and biophysical properties (such as structural, functional, and spatial information, amino acid conservation, physicochemical variation, residue mobility, and thermodynamic stability) performed at Invitae indicates that this missense variant is not expected to disrupt ATP7B protein function. In summary, the available evidence is currently insufficient to determine the role of this variant in disease. Therefore, it has been classified as a Variant of Uncertain Significance.

Fulgent Genetics
Classification: Uncertain significance for Wilson disease. Last evaluated: 2021-11-04. Review status: criteria provided, single submitter. Criteria: ACMG Guidelines, 2015. Collection method: clinical testing. Allele origin: unknown.

Genetic Services Laboratory, University of Chicago
Classification: Uncertain significance. Last evaluated: 2015-02-22. Review status: criteria provided, single submitter. Criteria: ACMG Guidelines, 2015. Collection method: clinical testing. Allele origin: germline.